The following is an entry in ClinVar:

ClinVar aggregate classification (germline): Likely pathogenic (1 of 4 stars; one submission).

Conditions:
VPS13A-related neurodegenerative disease. Also called: LEVINE-CRITCHLEY SYNDROME; Choreoacanthocytosis; Chorea-acanthocytosis; ACANTHOCYTOSIS WITH NEUROLOGIC DISORDER; VPS13A Disease; Choreaacanthocytosis. Identifiers: Orphanet 2388, MedGen C0393576, MONDO:0008695, OMIM 200150.

Submission:

Natera, Inc.
Classification: Likely pathogenic for Choreaacanthocytosis. Last evaluated: 2024-07-15. Review status: criteria provided, single submitter. Criteria: Natera Variant Classification Schema (03/2026). Collection method: clinical testing. Allele origin: germline.
Comment: The c.2513-35_2529del variant in VPS13A is a frameshift variant predicted to shift the reading frame and introduce a stop codon. This variant is expected to result in nonsense mediated decay, truncation, or a dysfunctional protein product. This variant is rare in the general population with a frequency below the threshold expected for the associated phenotype(s). Given the available evidence, this variant is classified as Likely Pathogenic.

NM_033305.3(VPS13A):c.2513-35_2529del

Gene: VPS13A (vacuolar protein sorting 13 homolog A; plus strand). Cytogenetic location: 9q21.2.
Variant type: Deletion.
Coding change: c.2513-35_2529del on transcript NM_033305.3 (MANE Select); 35 bases into the intron before coding-DNA position 2513 through coding-DNA position 2529, 52 bases deleted.
Molecular consequence: splice acceptor variant.
Genome position (GRCh38, 1-based): chr9:77,275,463-77,275,514, 52 bases deleted. GRCh37 (hg19): chr9:79,890,379-79,890,430.
Other names: c.2513-35_2529del (NM_001018037.2, NM_015186.4, NM_001018038.3).
Identifiers: ClinVar variation 4816387 (VCV004816387.1).